The following is an entry in ClinVar:

NM_181882.3(PRX):c.317C>T (p.Ala106Val)

Gene: PRX (periaxin; minus strand). Cytogenetic location: 19q13.2.
Variant type: single nucleotide variant.
Coding change: c.317C>T on transcript NM_181882.3 (MANE Select); coding-DNA position 317, C replaced by T.
Protein change: p.Ala106Val; replaces alanine 106 with valine.
Molecular consequence: missense variant.
Genome position (GRCh38, 1-based): chr19:40,398,684, G>A on the plus strand (C>T on the coding strand, the complement: PRX is on the minus strand). VCF-style: chr19-40398684-G-A. GRCh37 (hg19) VCF-style: chr19-40904591-G-A.
Other names: c.317C>T, p.Ala106Val (NM_020956.2); short protein forms A106V.
Identifiers: ClinVar variation 1507256 (VCV001507256.8), dbSNP rs2145734161, ClinGen allele CA405901151.

ClinVar aggregate classification (germline): Uncertain significance (1 of 4 stars; one submission).

Conditions:
Charcot-Marie-Tooth disease type 4. Also called: Charcot-Marie-Tooth, Type 4; Charcot-Marie-Tooth disease, type IV. Identifiers: Orphanet 64749, MedGen C4082197, MONDO:0018995.

Submission:

Labcorp Genetics (formerly Invitae), Labcorp
Classification: Uncertain significance for Charcot-Marie-Tooth disease type 4. Last evaluated: 2021-05-19. Review status: criteria provided, single submitter. Criteria: Invitae Variant Classification Sherloc (09022015). Collection method: clinical testing. Allele origin: germline.
Comment: In summary, the available evidence is currently insufficient to determine the role of this variant in disease. Therefore, it has been classified as a Variant of Uncertain Significance. Algorithms developed to predict the effect of missense changes on protein structure and function are either unavailable or do not agree on the potential impact of this missense change (SIFT: "Tolerated"; PolyPhen-2: "Possibly Damaging"; Align-GVGD: "Class C0"). This variant has not been reported in the literature in individuals with PRX-related conditions. This variant is not present in population databases (ExAC no frequency). This sequence change replaces alanine with valine at codon 106 of the PRX protein (p.Ala106Val). The alanine residue is moderately conserved and there is a small physicochemical difference between alanine and valine.